The following is an entry in ClinVar:

ClinVar aggregate classification (germline): Uncertain significance. Review status: criteria provided, multiple submitters, no conflicts (2 of 4 stars). 2 submissions from 2 submitters: Uncertain significance (2). Last evaluated 2025-12-26.

Conditions:
Inborn genetic diseases. Identifiers: MedGen C0950123, MeSH D030342.

Submissions (2):

Labcorp Genetics (formerly Invitae), Labcorp
Classification: Uncertain significance. Last evaluated: 2025-12-26. Review status: criteria provided, single submitter. Criteria: Invitae Variant Classification Sherloc (09022015). Collection method: clinical testing. Allele origin: germline.
Comment: This sequence change replaces glutamine, which is neutral and polar, with proline, which is neutral and non-polar, at codon 1199 of the POLA1 protein (p.Gln1199Pro). This variant is not present in population databases (gnomAD no frequency). This variant has not been reported in the literature in individuals affected with POLA1-related conditions. ClinVar contains an entry for this variant (Variation ID: 4140942). Invitae Evidence Modeling of protein sequence and biophysical properties (such as structural, functional, and spatial information, amino acid conservation, physicochemical variation, residue mobility, and thermodynamic stability) indicates that this missense variant is expected to disrupt POLA1 protein function with a positive predictive value of 80%. In summary, the available evidence is currently insufficient to determine the role of this variant in disease. Therefore, it has been classified as a Variant of Uncertain Significance.

Ambry Genetics
Classification: Uncertain significance for Inborn genetic diseases. Last evaluated: 2025-06-16. Review status: criteria provided, single submitter. Criteria: Ambry Variant Classification Scheme 2023. Collection method: clinical testing. Allele origin: germline.

NM_001330360.2(POLA1):c.3614A>C (p.Gln1205Pro)

Gene: POLA1 (DNA polymerase alpha 1, catalytic subunit; plus strand). Cytogenetic location: Xp22.11.
Variant type: single nucleotide variant.
Coding change: c.3614A>C on transcript NM_001330360.2 (MANE Select); coding-DNA position 3614, A replaced by C.
Protein change: p.Gln1205Pro; replaces glutamine 1205 with proline.
Molecular consequence: missense variant. On other transcripts: non-coding transcript variant (2).
Genome position (GRCh38, 1-based): chrX:24,826,479, A>C. VCF-style: chrX-24826479-A-C. GRCh37 (hg19) VCF-style: chrX-24844596-A-C.
Other names: c.3539A>C, p.Gln1180Pro (NM_001378303.1); c.3614A>C, p.Gln1205Pro (NM_001440806.1); c.3596A>C, p.Gln1199Pro (NM_016937.4); short protein forms Q1180P, Q1199P, Q1205P.
Identifiers: ClinVar variation 4140942 (VCV004140942.2).
Genomic context (GRCh38, chrX:24,826,479, plus strand): 5'-TCTTTTAGGATGGATCAAACCTCACTGCAAGTCAGAGGGCCTATGCGCCTGAGCAGCTGC[A>C]GAAACAGGATAATCTAACCATTGACACCCAGTACTACCTGGCCCAGCAGATCCACCCAGT-3'
Protein context (NP_001317289.1, residues 1195-1215): SQRAYAPEQL[Gln1205Pro]KQDNLTIDTQ